The following is an entry in ClinVar:

ClinVar aggregate classification (germline): Uncertain significance. Review status: criteria provided, multiple submitters, no conflicts (2 of 4 stars). 3 submissions from 3 submitters: Uncertain significance (3). Last evaluated 2024-04-01.

Conditions:
Hereditary cancer-predisposing syndrome. Also called: Tumor predisposition; Hereditary neoplastic syndrome; Neoplastic Syndromes, Hereditary; Hereditary Cancer Syndrome. Identifiers: Orphanet 140162, MedGen C0027672, MeSH D009386, MONDO:0015356.
Nijmegen breakage syndrome-like disorder (NBSLD). Also called: MICROCEPHALY AND SPONTANEOUS CHROMOSOME INSTABILITY WITHOUT IMMUNODEFICIENCY; NBS-LIKE DISORDER; RAD50 DEFICIENCY. Identifiers: Orphanet 240760, MedGen C2751318, MONDO:0013118, OMIM 613078.

Allele frequency attached by ClinVar (database versions not stated): gnomAD exomes below 0.00001; ExAC 0.00001; gnomAD 0.00001; TOPMed 0.00001.
gnomAD v4.1: 6 of 1,613,978 alleles (0.00037%); highest among the groups gnomAD compares: Non-Finnish European, 0.00051%; no homozygotes.

Submissions (3):

Fulgent Genetics
Classification: Uncertain significance for Nijmegen breakage syndrome-like disorder. Last evaluated: 2024-04-01. Review status: criteria provided, single submitter. Criteria: ACMG Guidelines, 2015. Collection method: clinical testing. Allele origin: germline.

Labcorp Genetics (formerly Invitae), Labcorp
Classification: Uncertain significance for Hereditary cancer-predisposing syndrome. Last evaluated: 2023-10-14. Review status: criteria provided, single submitter. Criteria: Invitae Variant Classification Sherloc (09022015). Collection method: clinical testing. Allele origin: germline.
Comment: This sequence change replaces lysine, which is basic and polar, with glutamine, which is neutral and polar, at codon 394 of the RAD50 protein (p.Lys394Gln). This variant is present in population databases (rs757585822, gnomAD 0.0009%). This variant has not been reported in the literature in individuals affected with RAD50-related conditions. ClinVar contains an entry for this variant (Variation ID: 818505). Advanced modeling of protein sequence and biophysical properties (such as structural, functional, and spatial information, amino acid conservation, physicochemical variation, residue mobility, and thermodynamic stability) performed at Invitae indicates that this missense variant is not expected to disrupt RAD50 protein function. In summary, the available evidence is currently insufficient to determine the role of this variant in disease. Therefore, it has been classified as a Variant of Uncertain Significance.

Ambry Genetics
Classification: Uncertain significance for Hereditary cancer-predisposing syndrome. Last evaluated: 2022-08-23. Review status: criteria provided, single submitter. Criteria: Ambry Variant Classification Scheme 2023. Collection method: clinical testing. Allele origin: germline.
Comment: The p.K394Q variant (also known as c.1180A>C), located in coding exon 8 of the RAD50 gene, results from an A to C substitution at nucleotide position 1180. The lysine at codon 394 is replaced by glutamine, an amino acid with similar properties. This amino acid position is not well conserved in available vertebrate species. In addition, this alteration is predicted to be tolerated by in silico analysis. Since supporting evidence is limited at this time, the clinical significance of this alteration remains unclear.

NM_005732.4(RAD50):c.1180A>C (p.Lys394Gln)

Gene: RAD50 (RAD50 double strand break repair protein; plus strand). Cytogenetic location: 5q31.1.
Variant type: single nucleotide variant.
Coding change: c.1180A>C on transcript NM_005732.4 (MANE Select); coding-DNA position 1180, A replaced by C.
Protein change: p.Lys394Gln; replaces lysine 394 with glutamine.
Molecular consequence: missense variant.
Genome position (GRCh38, 1-based): chr5:132,588,815, A>C. VCF-style: chr5-132588815-A-C. GRCh37 (hg19) VCF-style: chr5-131924507-A-C.
Other names: short protein forms K394Q.
Identifiers: ClinVar variation 818505 (VCV000818505.12), dbSNP rs757585822, ClinGen allele CA3405121.